The following is an entry in ClinVar:

NM_015488.5(PNKD):c.1052A>G (p.Gln351Arg)

Genes: CATIP-AS2 (CATIP antisense RNA 2; minus strand), PNKD (PNKD metallo-beta-lactamase domain containing; plus strand). Cytogenetic location: 2q35.
Variant type: single nucleotide variant.
Coding change: c.1052A>G on transcript NM_015488.5 (MANE Select); coding-DNA position 1052, A replaced by G.
Protein change: p.Gln351Arg; replaces glutamine 351 with arginine.
Molecular consequence: missense variant.
Genome position (GRCh38, 1-based): chr2:218,344,875, A>G. VCF-style: chr2-218344875-A-G. GRCh37 (hg19) VCF-style: chr2-219209598-A-G.
Other names: c.980A>G, p.Gln327Arg (NM_022572.5); short protein forms Q327R, Q351R.
Identifiers: ClinVar variation 2810856 (VCV002810856.3), dbSNP rs2469474546, ClinGen allele CA350543752.

ClinVar aggregate classification (germline): Uncertain significance (1 of 4 stars; one submission).

Conditions:
Paroxysmal nonkinesigenic dyskinesia. Also called: Paroxysmal non-kinesigenic dyskinesia. Identifiers: Orphanet 98810, MedGen C1869117, MONDO:0700088.

Submission:

Labcorp Genetics (formerly Invitae), Labcorp
Classification: Uncertain significance for Paroxysmal nonkinesigenic dyskinesia. Last evaluated: 2025-02-10. Review status: criteria provided, single submitter. Criteria: Invitae Variant Classification Sherloc (09022015). Collection method: clinical testing. Allele origin: germline.
Comment: This sequence change replaces glutamine, which is neutral and polar, with arginine, which is basic and polar, at codon 351 of the PNKD protein (p.Gln351Arg). This variant is not present in population databases (gnomAD no frequency). This variant has not been reported in the literature in individuals affected with PNKD-related conditions. ClinVar contains an entry for this variant (Variation ID: 2810856). Invitae Evidence Modeling of protein sequence and biophysical properties (such as structural, functional, and spatial information, amino acid conservation, physicochemical variation, residue mobility, and thermodynamic stability) indicates that this missense variant is not expected to disrupt PNKD protein function with a negative predictive value of 80%. In summary, the available evidence is currently insufficient to determine the role of this variant in disease. Therefore, it has been classified as a Variant of Uncertain Significance.